The following is an entry in ClinVar:

ClinVar aggregate classification (germline): Likely benign. Review status: criteria provided, single submitter (1 of 4 stars). 2 submissions from 2 submitters: Likely benign (1). 1 of the submissions does not count toward it. Last evaluated 2025-08-18.

Conditions:
IFT172-related disorder. Also called: IFT172-related condition; IFT172-related disorders.
Retinitis pigmentosa 71 (RP71). Identifiers: Orphanet 791, MedGen C4225342, MONDO:0014618, OMIM 616394.
Short-rib thoracic dysplasia 10 with or without polydactyly (SRTD10). Identifiers: Orphanet 474, MedGen C3810175, MONDO:0014284, OMIM 615630.

gnomAD v4.1: 7 of 1,614,158 alleles (0.00043%); highest among the groups gnomAD compares: South Asian, 0.0011%; no homozygotes.

Submissions (2):

Labcorp Genetics (formerly Invitae), Labcorp
Classification: Likely benign for Retinitis pigmentosa 71; Short-rib thoracic dysplasia 10 with or without polydactyly. Last evaluated: 2025-08-18. Review status: criteria provided, single submitter. Criteria: Invitae Variant Classification Sherloc (09022015). Collection method: clinical testing. Allele origin: germline.

PreventionGenetics, part of Exact Sciences
Classification: Likely benign for IFT172-related condition. Last evaluated: 2023-12-01. Review status: no assertion criteria provided. Collection method: clinical testing. Allele origin: germline. Not counted in ClinVar's aggregate classification.
Comment: This variant is classified as likely benign based on ACMG/AMP sequence variant interpretation guidelines (Richards et al. 2015 PMID: 25741868, with internal and published modifications).

NM_015662.3(IFT172):c.2985G>A (p.Val995=)

Gene: IFT172 (intraflagellar transport 172; minus strand). Cytogenetic location: 2p23.3.
Variant type: single nucleotide variant.
Coding change: c.2985G>A on transcript NM_015662.3 (MANE Select); coding-DNA position 2985, G replaced by A.
Protein change: p.Val995=; no amino-acid change (valine 995 retained).
Molecular consequence: synonymous variant.
Genome position (GRCh38, 1-based): chr2:27,457,967, C>T on the plus strand (G>A on the coding strand, the complement: IFT172 is on the minus strand). VCF-style: chr2-27457967-C-T. GRCh37 (hg19) VCF-style: chr2-27680834-C-T.
Other names: c.2919G>A, p.Val973= (NM_001410739.1); c.2985G>A (NM_015662.2).
Identifiers: ClinVar variation 2933619 (VCV002933619.5), dbSNP rs1424359432, ClinGen allele CA425402547.